The following is an entry in ClinVar:

NM_014141.6(CNTNAP2):c.1807A>T (p.Lys603Ter)

Gene: CNTNAP2 (contactin associated protein 2; plus strand). Cytogenetic location: 7q35.
Variant type: single nucleotide variant.
Coding change: c.1807A>T on transcript NM_014141.6 (MANE Select); coding-DNA position 1807, A replaced by T.
Protein change: p.Lys603Ter; replaces lysine 603 with a stop codon.
Molecular consequence: nonsense.
Genome position (GRCh38, 1-based): chr7:147,562,167, A>T. VCF-style: chr7-147562167-A-T. GRCh37 (hg19) VCF-style: chr7-147259259-A-T.
Other names: short protein forms K603*.
Identifiers: ClinVar variation 2870284 (VCV002870284.3), dbSNP rs2535940744, ClinGen allele CA369926568.

ClinVar aggregate classification (germline): Pathogenic (1 of 4 stars; one submission).

Conditions:
Cortical dysplasia-focal epilepsy syndrome (PTHSL1). Also called: Pitt-Hopkins-like syndrome 1. Identifiers: Orphanet 163681, Orphanet 221150, MedGen C2750246, MONDO:0012400, OMIM 610042.

Submission:

Labcorp Genetics (formerly Invitae), Labcorp
Classification: Pathogenic for Cortical dysplasia-focal epilepsy syndrome. Last evaluated: 2024-01-12. Review status: criteria provided, single submitter. Criteria: Invitae Variant Classification Sherloc (09022015). Collection method: clinical testing. Allele origin: germline.
Comment: This sequence change creates a premature translational stop signal (p.Lys603*) in the CNTNAP2 gene. It is expected to result in an absent or disrupted protein product. Loss-of-function variants in CNTNAP2 are known to be pathogenic (PMID: 19896112, 21827697, 25045150, 26843181, 27439707). This variant is not present in population databases (gnomAD no frequency). This variant has not been reported in the literature in individuals affected with CNTNAP2-related conditions. For these reasons, this variant has been classified as Pathogenic.

Literature cited by the submitters: PubMed 19896112; PubMed 21827697; PubMed 25045150; PubMed 26843181; PubMed 27439707.